The following is an entry in ClinVar:

ClinVar aggregate classification (germline): Conflicting classifications of pathogenicity. Review status: criteria provided, conflicting classifications (1 of 4 stars). 5 submissions from 4 submitters: Uncertain significance (2); Benign (1); Likely benign (2). Last evaluated 2026-01-25.

Conditions:
Multiple gastrointestinal atresias. Also called: FAMILIAL INTESTINAL POLYATRESIA SYNDROME; Multiple intestinal atresia. Identifiers: Orphanet 2300, MedGen C0220744, MONDO:0009465.
Gastrointestinal defects and immunodeficiency syndrome 1 (GIDID1). Also called: Combined immunodeficiency-enteropathy spectrum. Identifiers: Orphanet 436252, MedGen C5968858, MONDO:0800030, OMIM 243150.

Allele frequency attached by ClinVar (database versions not stated): gnomAD exomes 0.00009 and 0.00031; ExAC 0.00033; gnomAD 0.00113 and 0.00123; 1000 Genomes Project 0.00120; ESP Exome Variant Server 0.00123; 1000 Genomes Project 30x 0.00125; TOPMed 0.00141.
gnomAD v4.1: 309 of 1,613,960 alleles (0.019%); highest among the groups gnomAD compares: African/African-American, 0.37%; 1 homozygote.

Submissions (5):

Labcorp Genetics (formerly Invitae), Labcorp
Classification: Benign for Multiple gastrointestinal atresias. Last evaluated: 2026-01-25. Review status: criteria provided, single submitter. Criteria: Invitae Variant Classification Sherloc (09022015). Collection method: clinical testing. Allele origin: germline.

Mayo Clinic Laboratories, Mayo Clinic
Classification: Likely benign. Last evaluated: 2025-07-07. Review status: criteria provided, single submitter. Criteria: ACMG Guidelines, 2015. Collection method: clinical testing. Allele origin: germline. Observed: 1 variant allele.
Comment: BS1, BS3_supporting, BP4_moderate

Blueprint Genetics
Classification: Likely benign. Last evaluated: 2024-06-20. Review status: criteria provided, single submitter. Criteria: ACMG Guidelines, 2015. Collection method: clinical testing. Allele origin: germline.

Center for Genomics, Ann and Robert H. Lurie Children's Hospital of Chicago
Classification: Uncertain significance for Gastrointestinal defects and immunodeficiency syndrome 1. Last evaluated: 2021-03-30. Review status: criteria provided, single submitter. Criteria: ACMG Guidelines, 2015. Collection method: clinical testing. Allele origin: germline.
Comment: This variant has not been reported in the literature but is present in the Genome Aggregation Database (Highest reported MAF 0.3% [155/41438] including 1 homozygote). This variant is present in ClinVar (Variation ID: 626202). Evolutionary conservation for this variant is unclear on the predicted impact to the protein; computational prediction tools suggest that this variant may not impact the protein. In summary, data on this variant is insufficient for disease classification. Therefore, the clinical significance of this variant is uncertain.

Center for Genomics, Ann and Robert H. Lurie Children's Hospital of Chicago
Classification: Uncertain significance for Gastrointestinal defects and immunodeficiency syndrome 1. Last evaluated: 2018-12-03. Review status: criteria provided, single submitter. Criteria: ACMG Guidelines, 2015. Collection method: clinical testing. Allele origin: germline.
Comment: TTC7A NM_020458.3 exon 2 p.Asp63Glu (c.189C>G): This variant has not been reported in the literature and is present in 0.4% (112/24950) of African alleles in the Genome Aggregation Database, including one homozygote. Evolutionary conservation and computational predictive tools for this variant are unclear. In summary, data on this variant is insufficient for disease classification. Therefore, the clinical significance of this variant is uncertain.

Literature cited by the submitters: PubMed 29921470 (cited by Mayo Clinic Laboratories, Mayo Clinic); PubMed 30553809 (cited by Mayo Clinic Laboratories, Mayo Clinic); PubMed 39675053 (cited by Mayo Clinic Laboratories, Mayo Clinic); PubMed 39873864 (cited by Mayo Clinic Laboratories, Mayo Clinic).

NM_020458.4(TTC7A):c.189C>G (p.Asp63Glu)

Gene: TTC7A (tetratricopeptide repeat domain 7A; plus strand). Cytogenetic location: 2p21.
Variant type: single nucleotide variant.
Coding change: c.189C>G on transcript NM_020458.4 (MANE Select); coding-DNA position 189, C replaced by G.
Protein change: p.Asp63Glu; replaces aspartic acid 63 with glutamic acid.
Molecular consequence: missense variant. On other transcripts: 5 prime UTR variant (1).
Genome position (GRCh38, 1-based): chr2:46,950,367, C>G. VCF-style: chr2-46950367-C-G. GRCh37 (hg19) VCF-style: chr2-47177506-C-G.
Other names: p.Asp63Glu; c.189C>G, p.Asp63Glu (NM_001288951.2, LRG_1323t1); c.87C>G, p.Asp29Glu (NM_001288953.2); c.-716C>G (NM_001288955.2); short protein forms D63E, D29E.
Identifiers: ClinVar variation 626202 (VCV000626202.15), dbSNP rs112301354, ClinGen allele CA1647062.